The following is an entry in ClinVar:

ClinVar aggregate classification (germline): Uncertain significance. Review status: criteria provided, multiple submitters, no conflicts (2 of 4 stars). 5 submissions from 5 submitters: Uncertain significance (5). Last evaluated 2025-11-03.

Conditions:
Hereditary diffuse gastric adenocarcinoma (HDGC). Also called: DIFFUSE GASTRIC AND LOBULAR BREAST CANCER SYNDROME. Identifiers: Orphanet 26106, MedGen C1708349, MONDO:0007648, OMIM 137215.
Familial cancer of breast. Also called: Hereditary breast cancer; hereditary breast carcinoma; BREAST CANCER, FAMILIAL. Identifiers: Orphanet 227535, MedGen C0346153, MONDO:0016419, OMIM 114480. Disease mechanism: loss of function.
Endometrial carcinoma. Also called: Endometrial carcinoma, somatic. Identifiers: MedGen C0476089, MONDO:0002447, OMIM 608089, HP:0012114.
Ovarian cancer. Also called: OVARIAN CANCER, SOMATIC. Identifiers: Orphanet 213500, MedGen C1140680, MONDO:0008170, OMIM 167000.
Blepharocheilodontic syndrome 1 (BCDS1). Identifiers: Orphanet 1997, MedGen C4551988, MONDO:0054740, OMIM 119580.
Hereditary cancer-predisposing syndrome. Also called: Hereditary Cancer Syndrome; Neoplastic Syndromes, Hereditary; Tumor predisposition; Hereditary neoplastic syndrome. Identifiers: Orphanet 140162, MedGen C0027672, MeSH D009386, MONDO:0015356.

Allele frequency attached by ClinVar (database versions not stated): gnomAD exomes 0.00001.
gnomAD v4.1: 12 of 1,614,066 alleles (0.00074%); highest among the groups gnomAD compares: South Asian, 0.0033%; no homozygotes.

Submissions (5):

Labcorp Genetics (formerly Invitae), Labcorp
Classification: Uncertain significance for Hereditary diffuse gastric adenocarcinoma. Last evaluated: 2025-11-03. Review status: criteria provided, single submitter. Criteria: Invitae Variant Classification Sherloc (09022015). Collection method: clinical testing. Allele origin: germline.
Comment: This sequence change replaces aspartic acid, which is acidic and polar, with asparagine, which is neutral and polar, at codon 786 of the CDH1 protein (p.Asp786Asn). This variant is not present in population databases (gnomAD no frequency). This variant has not been reported in the literature in individuals affected with CDH1-related conditions. ClinVar contains an entry for this variant (Variation ID: 231547). An algorithm developed to predict the effect of missense changes on protein structure and function (PolyPhen-2) suggests that this variant is likely to be disruptive. In summary, the available evidence is currently insufficient to determine the role of this variant in disease. Therefore, it has been classified as a Variant of Uncertain Significance.

Ambry Genetics
Classification: Uncertain significance for Hereditary cancer-predisposing syndrome. Last evaluated: 2024-09-25. Review status: criteria provided, single submitter. Criteria: Ambry Variant Classification Scheme 2023. Collection method: clinical testing. Allele origin: germline.
Comment: The p.D786N variant (also known as c.2356G>A), located in coding exon 15 of the CDH1 gene, results from a G to A substitution at nucleotide position 2356. The aspartic acid at codon 786 is replaced by asparagine, an amino acid with highly similar properties. This alteration was detected in 1/5589 German BRCA1/2-negative probands with breast cancer (Hauke J et al. Cancer Med, 2018 04;7:1349-1358). Additionally, this alteration was not observed in 7,051 unselected female breast cancer patients and was observed with an allele frequency of 0.00009 in 11,241 female controls of Japanese ancestry (Momozawa Y et al. Nat Commun, 2018 10;9:4083). This amino acid position is highly conserved in available vertebrate species. In addition, this alteration is predicted to be tolerated by in silico analysis. Since supporting evidence is limited at this time, the clinical significance of this alteration remains unclear.

Fulgent Genetics
Classification: Uncertain significance for Familial cancer of breast; Blepharocheilodontic syndrome 1; Hereditary diffuse gastric adenocarcinoma; Ovarian cancer; Endometrial carcinoma. Last evaluated: 2024-02-29. Review status: criteria provided, single submitter. Criteria: ACMG Guidelines, 2015. Collection method: clinical testing. Allele origin: germline.

Baylor Genetics
Classification: Uncertain significance for Familial cancer of breast. Last evaluated: 2023-07-18. Review status: criteria provided, single submitter. Criteria: ACMG Guidelines, 2015. Collection method: clinical testing. Allele origin: unknown.

Color Diagnostics, LLC DBA Color Health
Classification: Uncertain significance for Hereditary cancer-predisposing syndrome. Last evaluated: 2021-10-19. Review status: criteria provided, single submitter. Criteria: ACMG Guidelines, 2015. Collection method: clinical testing. Allele origin: germline.
Comment: This missense variant replaces aspartic acid with asparagine at codon 786 of the CDH1 protein. To our knowledge, functional studies have not been reported for this variant. This variant has not been reported in individuals affected with hereditary cancer in the literature. This variant has not been identified in the general population by the Genome Aggregation Database (gnomAD). The available evidence is insufficient to determine the role of this variant in disease conclusively. Therefore, this variant is classified as a Variant of Uncertain Significance.

Literature cited by the submitters: PubMed 29522266 (cited by Ambry Genetics); PubMed 30287823 (cited by Ambry Genetics).

NM_004360.5(CDH1):c.2356G>A (p.Asp786Asn)

Gene: CDH1 (cadherin 1; plus strand). Cytogenetic location: 16q22.1.
Variant type: single nucleotide variant.
Coding change: c.2356G>A on transcript NM_004360.5 (MANE Select); coding-DNA position 2356, G replaced by A.
Protein change: p.Asp786Asn; replaces aspartic acid 786 with asparagine.
Molecular consequence: missense variant.
Genome position (GRCh38, 1-based): chr16:68,829,714, G>A. VCF-style: chr16-68829714-G-A. GRCh37 (hg19) VCF-style: chr16-68863617-G-A.
Other names: c.2356G>A (LRG_301t1); c.2173G>A, p.Asp725Asn (NM_001317184.2); c.808G>A, p.Asp270Asn (NM_001317185.2); c.391G>A, p.Asp131Asn (NM_001317186.2); short protein forms D786N, D131N, D270N, D725N.
Identifiers: ClinVar variation 231547 (VCV000231547.22), dbSNP rs876659218, ClinGen allele CA10580161.